The following is an entry in ClinVar:

NM_000975.5(RPL11):c.23A>G (p.Lys8Arg)

Gene: RPL11 (ribosomal protein L11; plus strand). Cytogenetic location: 1p36.11.
Variant type: single nucleotide variant.
Coding change: c.23A>G on transcript NM_000975.5 (MANE Select); coding-DNA position 23, A replaced by G.
Protein change: p.Lys8Arg; replaces lysine 8 with arginine.
Molecular consequence: missense variant.
Genome position (GRCh38, 1-based): chr1:23,692,625, A>G. VCF-style: chr1-23692625-A-G. GRCh37 (hg19) VCF-style: chr1-24019115-A-G.
Other names: c.20A>G, p.Lys7Arg (NM_001199802.1); short protein forms K7R, K8R.
Identifiers: ClinVar variation 1480451 (VCV001480451.6), dbSNP rs760498453, ClinGen allele CA684152.

ClinVar aggregate classification (germline): Uncertain significance (1 of 4 stars; one submission).

Conditions:
Diamond-Blackfan anemia. Also called: Blackfan Diamond syndrome; Aregenerative anemia chronic congenital; Red cell aplasia, pure hereditary; Congenital hypoplastic anemia; Aase syndrome. Identifiers: Orphanet 124, MedGen C1260899, MeSH D029503, MONDO:0015253, HP:0004810.

Allele frequency attached by ClinVar (database versions not stated): ExAC 0.00001; gnomAD exomes 0.00001.
gnomAD v4.1: 6 of 1,614,170 alleles (0.00037%); highest among the groups gnomAD compares: Middle Eastern, 0.017%; no homozygotes.

Submission:

Labcorp Genetics (formerly Invitae), Labcorp
Classification: Uncertain significance for Diamond-Blackfan anemia. Last evaluated: 2025-12-27. Review status: criteria provided, single submitter. Criteria: Invitae Variant Classification Sherloc (09022015). Collection method: clinical testing. Allele origin: germline.
Comment: This sequence change replaces lysine, which is basic and polar, with arginine, which is basic and polar, at codon 8 of the RPL11 protein (p.Lys8Arg). This variant is present in population databases (rs760498453, gnomAD 0.002%). This variant has not been reported in the literature in individuals affected with RPL11-related conditions. ClinVar contains an entry for this variant (Variation ID: 1480451). An algorithm developed to predict the effect of missense changes on protein structure and function (PolyPhen-2) suggests that this variant is likely to be tolerated. In summary, the available evidence is currently insufficient to determine the role of this variant in disease. Therefore, it has been classified as a Variant of Uncertain Significance.